The following is an entry in ClinVar:

NM_000318.3(PEX2):c.571del (p.Tyr190_Met191insTer)

Gene: PEX2 (peroxisomal biogenesis factor 2; minus strand). Cytogenetic location: 8q21.13.
Variant type: Deletion.
Coding change: c.571del on transcript NM_000318.3 (MANE Select); coding-DNA position 571, one base deleted (A; older notation c.571delA).
Protein change: p.Tyr190_Met191insTer.
Molecular consequence: nonsense.
Genome position (GRCh38, 1-based): chr8:76,983,608, T deleted on the plus strand (A on the coding strand, the reverse complement: PEX2 is on the minus strand). VCF-style (leftmost placement, unchanged base first): chr8-76983607-AT-A. GRCh37 (hg19) VCF-style: chr8-77895843-AT-A.
Other names: c.571del, p.Tyr190_Met191insTer (NM_001079867.2, NM_001172086.2, NM_001172087.2).
Identifiers: ClinVar variation 1402879 (VCV001402879.8), dbSNP rs2132043667, ClinGen allele CA2573143376.

ClinVar aggregate classification (germline): Pathogenic (1 of 4 stars; one submission).

Conditions:
Peroxisome biogenesis disorder 5A (Zellweger) (PBD5A). Identifiers: Orphanet 912, MedGen C3553940, MONDO:0013932, OMIM 614866.

Submission:

Labcorp Genetics (formerly Invitae), Labcorp
Classification: Pathogenic for Peroxisome biogenesis disorder 5A (Zellweger). Last evaluated: 2022-11-01. Review status: criteria provided, single submitter. Criteria: Invitae Variant Classification Sherloc (09022015). Collection method: clinical testing. Allele origin: germline.
Comment: ClinVar contains an entry for this variant (Variation ID: 1402879). For these reasons, this variant has been classified as Pathogenic. This variant disrupts a region of the PEX2 protein in which other variant(s) (p.Lys215Serfs*2) have been determined to be pathogenic (PMID: 10652207; Invitae). This suggests that this is a clinically significant region of the protein, and that variants that disrupt it are likely to be disease-causing. This variant has not been reported in the literature in individuals affected with PEX2-related conditions. This variant is not present in population databases (gnomAD no frequency). This sequence change creates a premature translational stop signal (p.Met191*) in the PEX2 gene. While this is not anticipated to result in nonsense mediated decay, it is expected to disrupt the last 115 amino acid(s) of the PEX2 protein.

Literature cited by the submitters: PubMed 10652207.